The following is an entry in ClinVar:

ClinVar aggregate classification (germline): Uncertain significance (1 of 4 stars; one submission).

Submission:

Labcorp Genetics (formerly Invitae), Labcorp
Classification: Uncertain significance. Last evaluated: 2026-01-05. Review status: criteria provided, single submitter. Criteria: Invitae Variant Classification Sherloc (09022015). Collection method: clinical testing. Allele origin: germline.
Comment: This sequence change falls in intron 4 of the NIN gene. It does not directly change the encoded amino acid sequence of the NIN protein. It affects a nucleotide within the consensus splice site. This variant is not present in population databases (gnomAD no frequency). This variant has not been reported in the literature in individuals affected with NIN-related conditions. Variants that disrupt the consensus splice site are a relatively common cause of aberrant splicing (PMID: 17576681, 9536098). Algorithms developed to predict the effect of sequence changes on RNA splicing suggest that this variant is not likely to affect RNA splicing. In summary, the available evidence is currently insufficient to determine the role of this variant in disease. Therefore, it has been classified as a Variant of Uncertain Significance.

Literature cited by the submitters: PubMed 17576681; PubMed 9536098.

NM_020921.4(NIN):c.265+6G>A

Gene: NIN (ninein; minus strand). Cytogenetic location: 14q22.1.
Variant type: single nucleotide variant.
Coding change: c.265+6G>A on transcript NM_020921.4 (MANE Select); 6 bases into the intron after coding-DNA position 265, G replaced by A.
Molecular consequence: intron variant.
Genome position (GRCh38, 1-based): chr14:50,806,731, C>T on the plus strand (G>A on the coding strand, the complement: NIN is on the minus strand). VCF-style: chr14-50806731-C-T. GRCh37 (hg19) VCF-style: chr14-51273449-C-T.
Other names: c.265+6G>A (NM_016350.5, NM_182946.2, NM_182944.3).
Identifiers: ClinVar variation 4761107 (VCV004761107.1).